The following is an entry in ClinVar:

ClinVar aggregate classification (germline): Uncertain significance (1 of 4 stars; one submission).

Conditions:
SLC26A1-related disorder. Also called: SLC26A1-related condition.

Submission:

PreventionGenetics, part of Exact Sciences
Classification: Uncertain significance for SLC26A1-related condition. Last evaluated: 2023-08-05. Review status: criteria provided, single submitter. Criteria: ACMG Guidelines, 2015. Collection method: clinical testing. Allele origin: germline.
Comment: The SLC26A1 c.1060_1062dupGCC variant is predicted to result in an in-frame duplication (p.Ala354dup). To our knowledge, this variant has not been reported in the literature. This variant is reported in 0.0026% of alleles in individuals of European (Non-Finnish) descent in gnomAD. At this time, the clinical significance of this variant is uncertain due to the absence of conclusive functional and genetic evidence.

NM_022042.4(SLC26A1):c.1057GCC[3] (p.Ala354_Phe355insAla)

Genes: IDUA (alpha-L-iduronidase; plus strand), SLC26A1 (solute carrier family 26 member 1; minus strand). Cytogenetic location: 4p16.3.
Variant type: Microsatellite.
Coding change: c.1057GCC[3] on transcript NM_022042.4 (MANE Select); three copies in a row of the 3-base unit GCC starting at c.1057; the reference has two copies in a row; one copy, 3 bases duplicated.
Protein change: p.Ala354_Phe355insAla.
Molecular consequence: inframe insertion. On other transcripts: intron variant (2).
Genome position (GRCh38, 1-based): chr4:989,877-989,879, GGC duplicated on the plus strand (GCC on the coding strand, the reverse complement: SLC26A1 is on the minus strand); duplicating any 3 consecutive bases within chr4:989,877-989,882 gives the same sequence; the position shown is the placement nearest the transcript's 3' end. VCF-style (leftmost placement, unchanged base first): chr4-989876-A-AGGC. GRCh37 (hg19) VCF-style: chr4-983664-A-AGGC.
Other names: c.1057GCC[3], p.Ala354_Phe355insAla (NM_213613.4); c.576+1246GCC[3] (NM_134425.4); c.299+1928GGC[3] (NM_000203.5).
Identifiers: ClinVar variation 2635042 (VCV002635042.1), dbSNP rs1300301955, ClinGen allele CA549264426.